The following is an entry in ClinVar:

ClinVar aggregate classification (germline): Benign (1 of 4 stars; one submission).

Allele frequency attached by ClinVar (database versions not stated): 1000 Genomes Project 0.29373; TOPMed 0.31198; gnomAD 0.33045 and 0.33278.
gnomAD v4.1: 49,645 of 149,096 alleles (33%); highest among the groups gnomAD compares: Non-Finnish European, 39%; 8,943 homozygotes.

Submission:

GeneDx
Classification: Benign. Last evaluated: 2018-06-14. Review status: criteria provided, single submitter. Criteria: GeneDx Variant Classification (06012015). Collection method: clinical testing. Allele origin: germline. Affected: yes.
Comment: This variant is considered likely benign or benign based on one or more of the following criteria: it is a conservative change, it occurs at a poorly conserved position in the protein, it is predicted to be benign by multiple in silico algorithms, and/or has population frequency not consistent with disease.

NM_002693.3(POLG):c.2266-153C>T

Gene: POLG (DNA polymerase gamma, catalytic subunit; minus strand). Cytogenetic location: 15q26.1.
Variant type: single nucleotide variant.
Coding change: c.2266-153C>T on transcript NM_002693.3 (MANE Select); 153 bases into the intron before coding-DNA position 2266, C replaced by T.
Molecular consequence: intron variant.
Genome position (GRCh38, 1-based): chr15:89,323,055, G>A on the plus strand (C>T on the coding strand, the complement: POLG is on the minus strand). VCF-style: chr15-89323055-G-A. GRCh37 (hg19) VCF-style: chr15-89866286-G-A.
Other names: c.2266-153C>T (NM_001126131.2).
Identifiers: ClinVar variation 667971 (VCV000667971.1), dbSNP rs3176202, ClinGen allele CA14110131.